The following is an entry in ClinVar:

ClinVar aggregate classification (germline): Likely pathogenic. Review status: criteria provided, multiple submitters, no conflicts (2 of 4 stars). 3 submissions from 3 submitters: Likely pathogenic (3). Last evaluated 2024-05-03.

Conditions:
Autosomal recessive nonsyndromic hearing loss 77. Identifiers: Orphanet 90636, MedGen C2746083, MONDO:0013119, OMIM 613079.

Allele frequency attached by ClinVar (database versions not stated): gnomAD 0.00001; TOPMed 0.00001.
gnomAD v4.1: 2 of 1,536,104 alleles (0.00013%); highest among the groups gnomAD compares: African/African-American, 0.0027%; no homozygotes.

Submissions (3):

Fulgent Genetics
Classification: Likely pathogenic for Autosomal recessive nonsyndromic hearing loss 77. Last evaluated: 2024-05-03. Review status: criteria provided, single submitter. Criteria: ACMG Guidelines, 2015. Collection method: clinical testing. Allele origin: germline.

Natera, Inc.
Classification: Likely pathogenic for Autosomal recessive deafness type 77. Last evaluated: 2024-03-06. Review status: criteria provided, single submitter. Criteria: Natera Variant Classification Schema (03/2026). Collection method: clinical testing. Allele origin: germline.
Comment: The c.4376-1G>A variant in LOXHD1 is a canonical splice acceptor site variant predicted to affect pre-mRNA splicing, which may result in an abnormal transcript and altered protein product. This variant is expected to result in nonsense mediated decay, truncation, or a dysfunctional protein product. This variant is rare in the general population with a frequency below the threshold expected for the associated phenotype(s). Given the available evidence, this variant is classified as Likely Pathogenic.

Labcorp Genetics (formerly Invitae), Labcorp
Classification: Likely pathogenic. Last evaluated: 2022-01-02. Review status: criteria provided, single submitter. Criteria: Invitae Variant Classification Sherloc (09022015). Collection method: clinical testing. Allele origin: germline.
Comment: This variant is present in population databases (no rsID available, gnomAD 0.006%). In summary, the currently available evidence indicates that the variant is pathogenic, but additional data are needed to prove that conclusively. Therefore, this variant has been classified as Likely Pathogenic. Algorithms developed to predict the effect of sequence changes on RNA splicing suggest that this variant may disrupt the consensus splice site. This variant has not been reported in the literature in individuals affected with LOXHD1-related conditions. This sequence change affects an acceptor splice site in intron 28 of the LOXHD1 gene. It is expected to disrupt RNA splicing. Variants that disrupt the donor or acceptor splice site typically lead to a loss of protein function (PMID: 16199547), and loss-of-function variants in LOXHD1 are known to be pathogenic (PMID: 19732867, 21465660, 25792669).

Literature cited by the submitters: PubMed 16199547 (cited by Labcorp Genetics (formerly Invitae), Labcorp); PubMed 19732867 (cited by Labcorp Genetics (formerly Invitae), Labcorp); PubMed 21465660 (cited by Labcorp Genetics (formerly Invitae), Labcorp); PubMed 25792669 (cited by Labcorp Genetics (formerly Invitae), Labcorp).

NM_001384474.1(LOXHD1):c.4376-1G>A

Gene: LOXHD1 (lipoxygenase homology PLAT domains 1; minus strand). Cytogenetic location: 18q21.1.
Variant type: single nucleotide variant.
Coding change: c.4376-1G>A on transcript NM_001384474.1 (MANE Select); the canonical splice acceptor site of the intron before coding-DNA position 4376, G replaced by A.
Molecular consequence: splice acceptor variant.
Genome position (GRCh38, 1-based): chr18:46,529,332, C>T on the plus strand (G>A on the coding strand, the complement: LOXHD1 is on the minus strand). VCF-style: chr18-46529332-C-T. GRCh37 (hg19) VCF-style: chr18-44109295-C-T.
Other names: c.4376-1G>A (NM_144612.6, NM_144612.7); c.1043-1G>A (NM_001145472.3); c.755-1G>A (NM_001308013.2).
Identifiers: ClinVar variation 2187524 (VCV002187524.6), dbSNP rs1017941933, ClinGen allele CA299802827.